The following is an entry in ClinVar:

ClinVar aggregate classification (germline): Benign. Review status: criteria provided, multiple submitters, no conflicts (2 of 4 stars). 4 submissions from 4 submitters: Benign (4). Last evaluated 2023-11-14.

Conditions:
Combined immunodeficiency due to DOCK8 deficiency (HIES2). Also called: Hyper-IgE recurrent infection syndrome, autosomal recessive; HYPER-IgE SYNDROME 2, AUTOSOMAL RECESSIVE, WITH RECURRENT INFECTIONS; HIES autosomal recessive; HYPER-IgE RECURRENT INFECTION SYNDROME 2, AUTOSOMAL RECESSIVE; DOCK8 Deficiency. Identifiers: Orphanet 217390, MedGen C4722305, MONDO:0009478, OMIM 243700.

Allele frequency attached by ClinVar (database versions not stated): TOPMed 0.71327; gnomAD 0.71940 and 0.72833; ESP Exome Variant Server 0.72332; gnomAD exomes 0.78321 and 0.79182; 1000 Genomes Project 0.78634; ExAC 0.78699.
gnomAD v4.1: 1,230,167 of 1,581,518 alleles (78%); highest among the groups gnomAD compares: East Asian, 99%; 472,732 homozygotes.

Submissions (4):

Unidad de Genómica Garrahan, Hospital de Pediatría Garrahan
Classification: Benign. Last evaluated: 2023-11-14. Review status: criteria provided, single submitter. Criteria: ACMG Guidelines, 2015. Collection method: clinical testing. Allele origin: germline. Affected: no. Observed: 84 variant alleles.
Comment: This variant is classified as Benign based on local population frequency. This variant was detected in 88% of patients studied by a panel of primary immunodeficiencies. Number of patients: 84. Only high quality variants are reported.

Genome-Nilou Lab
Classification: Benign for Combined immunodeficiency due to DOCK8 deficiency. Last evaluated: 2021-07-14. Review status: criteria provided, single submitter. Criteria: ACMG Guidelines, 2015. Collection method: clinical testing. Allele origin: germline. Affected: no.

GeneDx
Classification: Benign. Last evaluated: 2018-06-26. Review status: criteria provided, single submitter. Criteria: GeneDx Variant Classification Process June 2021. Collection method: clinical testing. Allele origin: germline. Affected: yes.

Breakthrough Genomics
Classification: Benign. Review status: criteria provided, single submitter. Criteria: ACMG Guidelines, 2015. Collection method: not provided. Allele origin: germline. Inheritance: Autosomal recessive inheritance. Affected: yes.

NM_203447.4(DOCK8):c.5356-48C>T

Gene: DOCK8 (dedicator of cytokinesis 8; plus strand). Cytogenetic location: 9p24.3.
Variant type: single nucleotide variant.
Coding change: c.5356-48C>T on transcript NM_203447.4 (MANE Select); 48 bases into the intron before coding-DNA position 5356, C replaced by T.
Molecular consequence: intron variant.
Genome position (GRCh38, 1-based): chr9:441,827, C>T. VCF-style: chr9-441827-C-T. GRCh37 (hg19) VCF-style: chr9-441827-C-T.
Other names: c.5152-48C>T (NM_001193536.2); c.5056-48C>T (NM_001190458.2).
Identifiers: ClinVar variation 1185303 (VCV001185303.7), dbSNP rs10974467, ClinGen allele CA4959411.